The following is an entry in ClinVar:

NM_025074.7(FRAS1):c.7163G>A (p.Ser2388Asn)

Gene: FRAS1 (Fraser extracellular matrix complex subunit 1; plus strand). Cytogenetic location: 4q21.21.
Variant type: single nucleotide variant.
Coding change: c.7163G>A on transcript NM_025074.7 (MANE Select); coding-DNA position 7163, G replaced by A.
Protein change: p.Ser2388Asn; replaces serine 2388 with asparagine.
Molecular consequence: missense variant.
Genome position (GRCh38, 1-based): chr4:78,466,341, G>A. VCF-style: chr4-78466341-G-A. GRCh37 (hg19) VCF-style: chr4-79387495-G-A.
Other names: short protein forms S2388N.
Identifiers: ClinVar variation 1400452 (VCV001400452.8), dbSNP rs77601278, ClinGen allele CA2978004.

ClinVar aggregate classification (germline): Uncertain significance. Review status: criteria provided, multiple submitters, no conflicts (2 of 4 stars). 6 submissions from 6 submitters: Uncertain significance (6). Last evaluated 2024-07-16.

Conditions:
FRAS1-related disorder. Also called: FRAS1-related condition.
Inborn genetic diseases. Identifiers: MedGen C0950123, MeSH D030342.
Fraser syndrome 1 (FRASRS1). Also called: CRYPTOPHTHALMOS WITH OTHER MALFORMATIONS. Identifiers: Orphanet 2052, MedGen C4551480, MONDO:0054737, OMIM 219000.

Allele frequency attached by ClinVar (database versions not stated): ExAC 0.00010; gnomAD exomes 0.00012; ESP Exome Variant Server 0.00031; TOPMed 0.00039; gnomAD 0.00045 and 0.00050; 1000 Genomes Project 0.00060; 1000 Genomes Project 30x 0.00078.
gnomAD v4.1: 134 of 1,613,880 alleles (0.0083%); highest among the groups gnomAD compares: African/African-American, 0.17%; no homozygotes.

Submissions (6):

GeneDx
Classification: Uncertain significance. Last evaluated: 2024-07-16. Review status: criteria provided, single submitter. Criteria: GeneDx Variant Classification Process June 2021. Collection method: clinical testing. Allele origin: germline. Affected: yes.
Comment: In silico analysis indicates that this missense variant does not alter protein structure/function; Has not been previously published as pathogenic or benign to our knowledge

PreventionGenetics, part of Exact Sciences
Classification: Uncertain significance for FRAS1-related condition. Last evaluated: 2023-01-04. Review status: criteria provided, single submitter. Criteria: ACMG Guidelines, 2015. Collection method: clinical testing. Allele origin: germline.
Comment: The FRAS1 c.7163G>A variant is predicted to result in the amino acid substitution p.Ser2388Asn. To our knowledge, this variant has not been reported in the literature. This variant is reported in 0.18% of alleles in individuals of African descent in gnomAD, which may be too common to be an undocumented cause of disease. Although we suspect that this variant may be benign, at this time, the clinical significance of this variant is uncertain due to the absence of conclusive functional and genetic evidence.

Women's Health and Genetics/Laboratory Corporation of America, LabCorp
Classification: Uncertain significance. Last evaluated: 2022-06-08. Review status: criteria provided, single submitter. Criteria: LabCorp Variant Classification Summary - May 2015. Collection method: clinical testing. Allele origin: germline.
Comment: Variant summary: FRAS1 c.7163G>A (p.Ser2388Asn) results in a conservative amino acid change in the encoded protein sequence. Four of five in-silico tools predict a benign effect of the variant on protein function. The variant allele was found at a frequency of 0.00012 in 249128 control chromosomes (gnomAD). This frequency is not significantly higher than expected for a pathogenic variant in FRAS1 causing Cryptophthalmos Syndrome (0.00012 vs 0.0018), allowing no conclusion about variant significance. To our knowledge, no occurrence of c.7163G>A in individuals affected with Cryptophthalmos Syndrome and no experimental evidence demonstrating its impact on protein function have been reported. One clinical diagnostic laboratory has submitted clinical-significance assessments for this variant to ClinVar after 2014 and classified the variant as uncertain significance. Based on the evidence outlined above, the variant was classified as uncertain significance.

Fulgent Genetics
Classification: Uncertain significance for Fraser syndrome 1. Last evaluated: 2022-04-23. Review status: criteria provided, single submitter. Criteria: ACMG Guidelines, 2015. Collection method: clinical testing. Allele origin: unknown.

Ambry Genetics
Classification: Uncertain significance for Inborn genetic diseases. Last evaluated: 2022-04-13. Review status: criteria provided, single submitter. Criteria: Ambry Variant Classification Scheme 2023. Collection method: clinical testing. Allele origin: germline.

Labcorp Genetics (formerly Invitae), Labcorp
Classification: Uncertain significance. Last evaluated: 2021-09-26. Review status: criteria provided, single submitter. Criteria: Invitae Variant Classification Sherloc (09022015). Collection method: clinical testing. Allele origin: germline.
Comment: This sequence change replaces serine with asparagine at codon 2388 of the FRAS1 protein (p.Ser2388Asn). The serine residue is highly conserved and there is a small physicochemical difference between serine and asparagine. This variant is present in population databases (rs77601278, ExAC 0.1%). This variant has not been reported in the literature in individuals affected with FRAS1-related conditions. Algorithms developed to predict the effect of missense changes on protein structure and function (SIFT, PolyPhen-2, Align-GVGD) all suggest that this variant is likely to be tolerated. In summary, the available evidence is currently insufficient to determine the role of this variant in disease. Therefore, it has been classified as a Variant of Uncertain Significance.